The following is an entry in ClinVar:

NM_000313.4(PROS1):c.1871-2A>G

Gene: PROS1 (protein S; minus strand). Cytogenetic location: 3q11.1.
Variant type: single nucleotide variant.
Coding change: c.1871-2A>G on transcript NM_000313.4 (MANE Select); the canonical splice acceptor site of the intron before coding-DNA position 1871, A replaced by G.
Molecular consequence: splice acceptor variant.
Genome position (GRCh38, 1-based): chr3:93,874,407, T>C on the plus strand (A>G on the coding strand, the complement: PROS1 is on the minus strand). VCF-style: chr3-93874407-T-C. GRCh37 (hg19) VCF-style: chr3-93593251-T-C.
Other names: c.1967-2A>G (NM_001314077.2).
Identifiers: ClinVar variation 1068259 (VCV001068259.5), dbSNP rs2107120227, ClinGen allele CA353670289.
Genomic context (GRCh38, chr3:93,874,407, plus strand): 5'-ATTCACTTCCATGCAGCCATTATAAAAGGCATTCACTGGTGTGGCACTGAATGGAACATC[T>C]GTAAAAGGAAAATATTAGAATATTAGTCCAAGACTTTTAGCATCTTGTTTGTTTACAGTG-3'

ClinVar aggregate classification (germline): Pathogenic (1 of 4 stars; one submission).

Conditions:
Thrombophilia due to protein S deficiency, autosomal recessive (THPH6). Identifiers: Orphanet 743, MedGen C3281092, MONDO:0013791, OMIM 614514. Disease mechanism: loss of function.

Submission:

Labcorp Genetics (formerly Invitae), Labcorp
Classification: Pathogenic for Thrombophilia due to protein S deficiency, autosomal recessive. Last evaluated: 2022-02-08. Review status: criteria provided, single submitter. Criteria: Invitae Variant Classification Sherloc (09022015). Collection method: clinical testing. Allele origin: germline.
Comment: Disruption of this splice site has been observed in individuals with protein S deficiency (PMID: 9031442, 30669159; Invitae). ClinVar contains an entry for this variant (Variation ID: 1068259). Variants that disrupt the consensus splice site are a relatively common cause of aberrant splicing (PMID: 17576681, 9536098). Studies have shown that disruption of this splice site results in partial exon exclusion and introduces a new termination codon (PMID: 30669159). However the mRNA is not expected to undergo nonsense-mediated decay. For these reasons, this variant has been classified as Pathogenic. This variant is not present in population databases (gnomAD no frequency). This sequence change affects an acceptor splice site in intron 14 of the PROS1 gene. RNA analysis indicates that disruption of this splice site induces altered splicing and likely disrupts the C-terminus of the protein.

Literature cited by the submitters: PubMed 9031442; PubMed 30669159; PubMed 17576681; PubMed 9536098.